The following is an entry in ClinVar:

NM_153816.6(SNX14):c.516T>C (p.Phe172=)

Gene: SNX14 (sorting nexin 14; minus strand). Cytogenetic location: 6q14.3.
Variant type: single nucleotide variant.
Coding change: c.516T>C on transcript NM_153816.6 (MANE Select); coding-DNA position 516, T replaced by C.
Protein change: p.Phe172=; no amino-acid change (phenylalanine 172 retained).
Molecular consequence: synonymous variant. On other transcripts: 5 prime UTR variant (6), non-coding transcript variant (5), intron variant (6).
Genome position (GRCh38, 1-based): chr6:85,565,365, A>G on the plus strand (T>C on the coding strand, the complement: SNX14 is on the minus strand). VCF-style: chr6-85565365-A-G. GRCh37 (hg19) VCF-style: chr6-86275083-A-G.
Other names: p.Phe172=; c.516T>C, p.Phe172= (NM_001297614.3, NM_001350538.2, NM_001350540.2 and 1 more transcripts); c.360T>C, p.Phe120= (NM_001304479.2, NM_001350544.2); c.579T>C, p.Phe193= (NM_001350532.2); c.513T>C, p.Phe171= (NM_001350533.2, NM_001350534.2, NM_001350535.2); c.357T>C, p.Phe119= (NM_001350539.2); c.72T>C, p.Phe24= (NM_001350545.2, NM_001350546.2); c.-450T>C (NM_001350547.2); and 8 more.
Identifiers: ClinVar variation 711444 (VCV000711444.12), dbSNP rs143497401, ClinGen allele CA3912413.

ClinVar aggregate classification (germline): Benign/Likely benign. Review status: criteria provided, multiple submitters, no conflicts (2 of 4 stars). 4 submissions from 4 submitters: Benign (1); Likely benign (3). Last evaluated 2025-11-12.

Allele frequency attached by ClinVar (database versions not stated): gnomAD exomes 0.00011 and 0.00029; ExAC 0.00043; ESP Exome Variant Server 0.00116; gnomAD 0.00125 and 0.00133; TOPMed 0.00148; 1000 Genomes Project 0.00180; 1000 Genomes Project 30x 0.00203.
gnomAD v4.1: 354 of 1,604,180 alleles (0.022%); highest among the groups gnomAD compares: African/African-American, 0.42%; 1 homozygote.

Submissions (4):

Labcorp Genetics (formerly Invitae), Labcorp
Classification: Benign. Last evaluated: 2025-11-12. Review status: criteria provided, single submitter. Criteria: Invitae Variant Classification Sherloc (09022015). Collection method: clinical testing. Allele origin: germline.

Mayo Clinic Laboratories, Mayo Clinic
Classification: Likely benign. Last evaluated: 2025-04-04. Review status: criteria provided, single submitter. Criteria: ACMG Guidelines, 2015. Collection method: clinical testing. Allele origin: germline. Observed: 2 variant alleles.
Comment: BS1, BP4, BP7

Blueprint Genetics
Classification: Likely benign. Last evaluated: 2023-08-04. Review status: criteria provided, single submitter. Criteria: ACMG Guidelines, 2015. Collection method: clinical testing. Allele origin: germline.

GeneDx
Classification: Likely benign. Last evaluated: 2018-09-17. Review status: criteria provided, single submitter. Criteria: GeneDx Variant Classification Process June 2021. Collection method: clinical testing. Allele origin: germline. Affected: yes.